The following is an entry in ClinVar:

ClinVar aggregate classification (germline): Pathogenic/Likely pathogenic. Review status: criteria provided, multiple submitters, no conflicts (2 of 4 stars). 10 submissions from 10 submitters: Pathogenic (3); Likely pathogenic (6). 1 of the submissions does not count toward it. Last evaluated 2026-01-28.

Conditions:
Hereditary nonpolyposis colon cancer (HNPCC). Also called: Hereditary nonpolyposis colorectal cancer; Familial nonpolyposis colon cancer; Hereditary Nonpolyposis Colorectal Cancer Syndrome. Identifiers: Orphanet 443909, MedGen C1333990, MONDO:0018630. Disease mechanism: loss of function.
Hereditary nonpolyposis colorectal neoplasms. Identifiers: MedGen C0009405, MeSH D003123.
Hereditary cancer-predisposing syndrome. Also called: Hereditary Cancer Syndrome; Neoplastic Syndromes, Hereditary; Hereditary neoplastic syndrome; Tumor predisposition. Identifiers: Orphanet 140162, MedGen C0027672, MeSH D009386, MONDO:0015356.
Mismatch repair cancer syndrome 3. Identifiers: MedGen C5436807, MONDO:0030841, OMIM 619097.
Lynch syndrome 5 (LYNCH5). Also called: Colorectal cancer, hereditary nonpolyposis, type 5; Hereditary non-polyposis colorectal cancer, type 5. Identifiers: Orphanet 144, MedGen C1833477, MONDO:0013710, OMIM 614350. Disease mechanism: loss of function.
Endometrial carcinoma. Also called: Endometrial carcinoma, somatic. Identifiers: MedGen C0476089, MONDO:0002447, OMIM 608089, HP:0012114.

gnomAD v4.1: 1 of 1,614,096 alleles (0.000062%); highest among the groups gnomAD compares: Non-Finnish European, 0.000085%; no homozygotes.

Submissions (10):

Labcorp Genetics (formerly Invitae), Labcorp
Classification: Pathogenic for Hereditary nonpolyposis colorectal neoplasms. Last evaluated: 2026-01-28. Review status: criteria provided, single submitter. Criteria: Invitae Variant Classification Sherloc (09022015). Collection method: clinical testing. Allele origin: germline.
Comment: This sequence change replaces glycine, which is neutral and non-polar, with cysteine, which is neutral and slightly polar, at codon 1157 of the MSH6 protein (p.Gly1157Cys). This variant is not present in population databases (gnomAD no frequency). This missense change has been observed in individuals with clinical features of Lynch syndrome (internal data). Invitae Evidence Modeling of clinical and family history, age, sex, and reported ancestry of multiple individuals with this MSH6 variant has been performed. This variant is expected to be pathogenic with a positive predictive value of at least 99%. This is a validated machine learning model that incorporates the clinical features of 1,627,235 individuals referred to our laboratory for MSH6 testing. ClinVar contains an entry for this variant (Variation ID: 142773). Invitae Evidence Modeling incorporating data from in vitro experimental studies (internal data) indicates that this missense variant is expected to disrupt MSH6 function with a positive predictive value of 95%. For these reasons, this variant has been classified as Pathogenic.

Color Diagnostics, LLC DBA Color Health
Classification: Likely pathogenic for Hereditary cancer-predisposing syndrome. Last evaluated: 2025-09-30. Review status: criteria provided, single submitter. Criteria: ACMG Guidelines, 2015. Collection method: clinical testing. Allele origin: germline.
Comment: This missense variant replaces glycine with cysteine at codon 1157 in the ATPase domain of the MSH6 protein. Computational prediction suggests that this variant may have deleterious impact on protein structure and function. To our knowledge, functional studies have not been reported for this variant. This variant has been observed in multiple individuals affected with Lynch syndrome-associated cancers (ClinVar submission ID: SCV000624872, SCV001446378 and SCV000187253). This variant has not been identified in the general population by the Genome Aggregation Database (gnomAD). A different missense variant at this position, p.Gly1157Asp, has been reported to impact MSH6 function in DNA mismatch binding, in vitro mismatch repair and sensitivity to 6-thioguanine assays (PMID: 31965077). Three different amino acid substitutions, aspartic acid, serine and valine, in place of glycine 1157, have been observed in individuals affected with Lynch syndrome-associated cancers (PMID: 24323032, 31391288Color internal data). These data indicate that glycine at this position is important for MSH6 protein function. Based on the available evidence, this variant is classified as Likely Pathogenic.

Quest Diagnostics Nichols Institute San Juan Capistrano
Classification: Likely pathogenic. Last evaluated: 2025-04-07. Review status: criteria provided, single submitter. Criteria: Quest Diagnostics criteria. Collection method: clinical testing. Allele origin: unknown.
Comment: The MSH6 c.3469G>T (p.Gly1157Cys) variant, to the best of our knowledge, has not been reported in individuals with MSH6-related conditions in the published literature. However, the entry for this variant in ClinVar (Variation ID: 142773) described several carrier individuals affected with Lynch syndrome-associated cancer based on internal data, with some demonstrating a loss of MSH6 expression in tumor immunohistochemical staining. A different missense variant at this codon, c.3469G>A (p.Gly1157Ser), has also been reported in an individual with endometrial cancer and a concomitant loss of MSH6 expression in the tumor (PMID: 24323032 (2014)). Additionally, the MSH6 p.Gly1157Asp (G1157D) variant has been shown to have deleterious effects on MSH6 protein expression and function in vitro (PMID: 31965077 (2020)), suggesting this codon may be functionally important. The c.3469G>T (p.Gly1157Cys) variant has not been reported in large, multi-ethnic general populations (Genome Aggregation Database). Analysis of this variant using bioinformatics tools for the prediction of the effect of amino acid changes on protein structure and function yielded predictions that this variant is damaging. Based on the available information, this variant is classified as likely pathogenic.

Women's Health and Genetics/Laboratory Corporation of America, LabCorp
Classification: Pathogenic for Hereditary nonpolyposis colon cancer. Last evaluated: 2024-12-21. Review status: criteria provided, single submitter. Criteria: LabCorp Variant Classification Summary - May 2015. Collection method: clinical testing. Allele origin: germline.
Comment: Variant summary: MSH6 c.3469G>T (p.Gly1157Cys) results in a non-conservative amino acid change located in the PWWP domain of the encoded protein sequence. Five of five in-silico tools predict a damaging effect of the variant on protein function. Another variant located at the same codon (c.3469G>A, p.Gly1157Ser) has been reported in individuals with MSH6-related consitions and/or colon cancer, supporting the critical relevance of this residue to MSH6 protein function. The variant was absent in 251390 control chromosomes. c.3469G>T has been reported in the literature in individuals with a personal and family history of Lynch Syndrome/Hereditary Nonpolyposis Colorectal Cancer (HNPCC) tested at our laboratory. These data indicate that the variant is likely to be associated with disease. To our knowledge, no experimental evidence demonstrating an impact on protein function has been reported. The following publication has been ascertained (PMID: 28912153) although it was not captured as a case count in the context of this evaluation. ClinVar contains an entry for this variant (Variation ID: 142773). Based on the evidence outlined above, the variant was classified as pathogenic.

Fulgent Genetics
Classification: Likely pathogenic for Endometrial carcinoma; Lynch syndrome 5; Mismatch repair cancer syndrome 3. Last evaluated: 2024-03-28. Review status: criteria provided, single submitter. Criteria: ACMG Guidelines, 2015. Collection method: clinical testing. Allele origin: germline.

GeneDx
Classification: Likely pathogenic. Last evaluated: 2023-10-18. Review status: criteria provided, single submitter. Criteria: GeneDx Variant Classification Process June 2021. Collection method: clinical testing. Allele origin: germline. Affected: yes.
Comment: Not observed at significant frequency in large population cohorts (gnomAD); In silico analysis supports that this missense variant has a deleterious effect on protein structure/function; This variant is associated with the following publications: (PMID: 17531815, 21120944, 28912153)

Baylor Genetics
Classification: Likely pathogenic for Endometrial carcinoma. Last evaluated: 2023-09-08. Review status: criteria provided, single submitter. Criteria: ACMG Guidelines, 2015. Collection method: clinical testing. Allele origin: unknown.

Ambry Genetics
Classification: Pathogenic for Hereditary cancer-predisposing syndrome. Last evaluated: 2023-03-07. Review status: criteria provided, single submitter. Criteria: Ambry Variant Classification Scheme 2023. Collection method: clinical testing. Allele origin: germline.
Comment: The p.G1157C pathogenic mutation (also known as c.3469G>T), located in coding exon 6 of the MSH6 gene, results from a G to T substitution at nucleotide position 3469. The glycine at codon 1157 is replaced by cysteine, an amino acid with highly dissimilar properties. This alteration has been identified in several individuals whose Lynch-associated tumor demonstrated high microsatellite instability (MSI-H) and/or isolated loss of MSH6 protein expression on immunohistochemistry (IHC) (Ambry internal data). Based on an internal structural assessment, this alteration disrupts the local structure in the ATPase domain (Warren JJ et al. Mol. Cell. 2007 May;26:579-92). This variant is considered to be rare based on population cohorts in the Genome Aggregation Database (gnomAD). This amino acid position is highly conserved in available vertebrate species. In addition, this alteration is predicted to be deleterious by in silico analysis. Based on the supporting evidence, this alteration is interpreted as a disease-causing mutation.

Department of Pathology and Laboratory Medicine, Sinai Health System
Classification: Likely pathogenic for Lynch syndrome 5; Endometrial carcinoma; Mismatch repair cancer syndrome 3. Last evaluated: 2020-06-26. Review status: criteria provided, single submitter. Criteria: ACMG Guidelines, 2015. Collection method: clinical testing. Allele origin: germline. Affected: yes.

University of Washington Department of Laboratory Medicine, University of Washington
Classification: Likely pathogenic for Hereditary nonpolyposis colorectal cancer type 5. Last evaluated: 2020-07-31. Review status: no assertion criteria provided. Collection method: clinical testing. Allele origin: unknown. Affected: yes. Not counted in ClinVar's aggregate classification.
Comment: This variant was detected in multiple tumors with loss of MSH6 and microsatellite instability. This genomic position is conserved and computational predictions indicate that this variant is likely to alter protein function. It has also been observed in the germline of other individuals whose tumors had loss of MSH6 and microsatellite instability (internal data).

Literature cited by the submitters: PubMed 24323032 (cited by Color Diagnostics, LLC DBA Color Health); PubMed 31391288 (cited by Color Diagnostics, LLC DBA Color Health); PubMed 31965077 (cited by Color Diagnostics, LLC DBA Color Health); PubMed 39669589 (cited by Quest Diagnostics Nichols Institute San Juan Capistrano); PubMed 28912153 (cited by Women's Health and Genetics/Laboratory Corporation of America, LabCorp); PubMed 17531815 (cited by Ambry Genetics); PubMed 23313954 (cited by Department of Pathology and Laboratory Medicine, Sinai Health System).

NM_000179.3(MSH6):c.3469G>T (p.Gly1157Cys)

Gene: MSH6 (mutS homolog 6; plus strand). Cytogenetic location: 2p16.3.
Variant type: single nucleotide variant.
Coding change: c.3469G>T on transcript NM_000179.3 (MANE Select); coding-DNA position 3469, G replaced by T.
Protein change: p.Gly1157Cys; replaces glycine 1157 with cysteine.
Molecular consequence: missense variant.
Genome position (GRCh38, 1-based): chr2:47,804,940, G>T. VCF-style: chr2-47804940-G-T. GRCh37 (hg19) VCF-style: chr2-48032079-G-T.
Other names: c.3079G>T, p.Gly1027Cys (NM_001281492.2); c.2563G>T, p.Gly855Cys (NM_001281493.2, NM_001281494.2); short protein forms G1157C, G855C, G1027C.
Identifiers: ClinVar variation 142773 (VCV000142773.30), dbSNP rs587779264, ClinGen allele CA012982.
Genomic context (GRCh38, chr2:47,804,940, plus strand): 5'-ATAAAAGACCTTTTCCTCCCTCATTCACAGGCTGGCTTATTAGCTGTAATGGCCCAGATG[G>T]GTTGTTACGTCCCTGCTGAAGTGTGCAGGCTCACACCAATTGATAGAGTGTTTACTAGAC-3'
Protein context (NP_000170.1, residues 1147-1167): AGLLAVMAQM[Gly1157Cys]CYVPAEVCRL